The following is an entry in ClinVar:

ClinVar aggregate classification (germline): Likely pathogenic (1 of 4 stars; one submission).

Conditions:
2-aminoadipic 2-oxoadipic aciduria (AAKAD). Also called: Aminoadipic aciduria; ALPHA-AMINOADIPIC AND ALPHA-KETOADIPIC ACIDURIA. Identifiers: Orphanet 79154, MedGen C1859817, MONDO:0008774, OMIM 204750.

Submission:

Labcorp Genetics (formerly Invitae), Labcorp
Classification: Likely pathogenic for 2-aminoadipic 2-oxoadipic aciduria. Last evaluated: 2024-06-08. Review status: criteria provided, single submitter. Criteria: Invitae Variant Classification Sherloc (09022015). Collection method: clinical testing. Allele origin: germline.
Comment: This sequence change affects a donor splice site in intron 9 of the DHTKD1 gene. It is expected to disrupt RNA splicing. Variants that disrupt the donor or acceptor splice site typically lead to a loss of protein function (PMID: 16199547), and loss-of-function variants in DHTKD1 are known to be pathogenic (PMID: 23141293, 25860818). This variant is not present in population databases (gnomAD no frequency). This variant has not been reported in the literature in individuals affected with DHTKD1-related conditions. Algorithms developed to predict the effect of sequence changes on RNA splicing suggest that this variant may disrupt the consensus splice site. In summary, the currently available evidence indicates that the variant is pathogenic, but additional data are needed to prove that conclusively. Therefore, this variant has been classified as Likely Pathogenic.

Literature cited by the submitters: PubMed 16199547; PubMed 23141293; PubMed 25860818.

NM_018706.7(DHTKD1):c.1756+1G>A

Gene: DHTKD1 (dehydrogenase E1 and transketolase domain containing 1; plus strand). Cytogenetic location: 10p14.
Variant type: single nucleotide variant.
Coding change: c.1756+1G>A on transcript NM_018706.7 (MANE Select); the canonical splice donor site of the intron after coding-DNA position 1756, G replaced by A.
Molecular consequence: splice donor variant.
Genome position (GRCh38, 1-based): chr10:12,100,263, G>A. VCF-style: chr10-12100263-G-A. GRCh37 (hg19) VCF-style: chr10-12142262-G-A.
Identifiers: ClinVar variation 3649028 (VCV003649028.2).